The following is an entry in ClinVar:

NM_000288.4(PEX7):c.488G>A (p.Trp163Ter)

Gene: PEX7 (peroxisomal biogenesis factor 7; plus strand). Cytogenetic location: 6q23.3.
Variant type: single nucleotide variant.
Coding change: c.488G>A on transcript NM_000288.4 (MANE Select); coding-DNA position 488, G replaced by A.
Protein change: p.Trp163Ter; replaces tryptophan 163 with a stop codon.
Molecular consequence: nonsense.
Genome position (GRCh38, 1-based): chr6:136,846,143, G>A. VCF-style: chr6-136846143-G-A. GRCh37 (hg19) VCF-style: chr6-137167281-G-A.
Other names: c.488G>A (NM_000288.3); short protein forms W163*.
Identifiers: ClinVar variation 1449189 (VCV001449189.8), dbSNP rs1173171051, ClinGen allele CA365857271.
Genomic context (GRCh38, chr6:136,846,143, plus strand): 5'-CTGTTGGAAAGTCTCTGTGCACCTTTAGAGGCCATGAAAGTATTATTTATAGCACAATCT[G>A]GTCTCCCCACATCCCTGGTTGTTTTGCTTCAGCCTCAGGTAAATTATTCTGTATTTACCA-3'

ClinVar aggregate classification (germline): Pathogenic/Likely pathogenic. Review status: criteria provided, multiple submitters, no conflicts (2 of 4 stars). 3 submissions from 3 submitters: Pathogenic (1); Likely pathogenic (2). Last evaluated 2024-12-05.

Conditions:
Peroxisome biogenesis disorder 9B. Also called: PEX7-Related Refsum Disease; PEROXISOME BIOGENESIS DISORDER, PEX7-RELATED, ATYPICAL; Refsum disease, adult, 2. Identifiers: Orphanet 773, MedGen C2749346, MONDO:0013945, OMIM 614879.
Rhizomelic chondrodysplasia punctata (RCDP). Identifiers: Orphanet 177, MedGen C0282529, MONDO:0015776. Disease mechanism: loss of function.

Submissions (3):

Natera, Inc.
Classification: Likely pathogenic for Rhizomelic Chondrodysplasia Punctata. Last evaluated: 2024-12-05. Review status: criteria provided, single submitter. Criteria: Natera Variant Classification Schema (03/2026). Collection method: clinical testing. Allele origin: germline.
Comment: The c.488G>A variant in PEX7 is a nonsense variant predicted to introduce a stop codon at amino acid 163. This variant is expected to result in nonsense mediated decay, truncation, or a dysfunctional protein product. This variant is rare in the general population with a frequency below the threshold expected for the associated phenotype(s). Given the available evidence, this variant is classified as Likely Pathogenic.

Baylor Genetics
Classification: Likely pathogenic for Peroxisome biogenesis disorder 9B. Last evaluated: 2023-08-10. Review status: criteria provided, single submitter. Criteria: ACMG Guidelines, 2015. Collection method: clinical testing. Allele origin: unknown.

Labcorp Genetics (formerly Invitae), Labcorp
Classification: Pathogenic for Peroxisome biogenesis disorder 9B. Last evaluated: 2022-03-09. Review status: criteria provided, single submitter. Criteria: Invitae Variant Classification Sherloc (09022015). Collection method: clinical testing. Allele origin: germline.
Comment: This sequence change creates a premature translational stop signal (p.Trp163*) in the PEX7 gene. It is expected to result in an absent or disrupted protein product. Loss-of-function variants in PEX7 are known to be pathogenic (PMID: 12325024, 12522768, 20301447). This variant is not present in population databases (gnomAD no frequency). This variant has not been reported in the literature in individuals affected with PEX7-related conditions. Algorithms developed to predict the effect of sequence changes on RNA splicing suggest that this variant may disrupt the consensus splice site. For these reasons, this variant has been classified as Pathogenic.

Literature cited by the submitters: PubMed 12325024 (cited by Labcorp Genetics (formerly Invitae), Labcorp); PubMed 12522768 (cited by Labcorp Genetics (formerly Invitae), Labcorp); PubMed 20301447 (cited by Labcorp Genetics (formerly Invitae), Labcorp).